The following is an entry in ClinVar:

ClinVar aggregate classification (germline): Uncertain significance (1 of 4 stars; one submission).

Submission:

GeneDx
Classification: Uncertain significance. Last evaluated: 2023-06-26. Review status: criteria provided, single submitter. Criteria: GeneDx Variant Classification Process June 2021. Collection method: clinical testing. Allele origin: germline. Affected: yes.
Comment: Not observed at significant frequency in large population cohorts (gnomAD); Has not been previously published as pathogenic or benign to our knowledge; Canonical splice site variant in a gene for which loss-of-function is not an established mechanism of disease.

NM_001037333.3(CYFIP2):c.2385+2T>C

Gene: CYFIP2 (cytoplasmic FMR1 interacting protein 2; plus strand). Cytogenetic location: 5q33.3.
Variant type: single nucleotide variant.
Coding change: c.2385+2T>C on transcript NM_001037333.3 (MANE Select); the canonical splice donor site of the intron after coding-DNA position 2385, T replaced by C.
Molecular consequence: splice donor variant.
Genome position (GRCh38, 1-based): chr5:157,333,448, T>C. VCF-style: chr5-157333448-T-C. GRCh37 (hg19) VCF-style: chr5-156760456-T-C.
Other names: c.2460+2T>C (NM_001291722.2); c.2307+2T>C (NM_001291721.2); c.2385+2T>C (NM_014376.4).
Identifiers: ClinVar variation 3360451 (VCV003360451.1).
Genomic context (GRCh38, chr5:157,333,448, plus strand): 5'-ATAAATCCTTGGACCAAGCTATCAGCCGCTTTGAGAGTGAGGACCTGACCTCCATTGTGG[T>C]AAGAGTCTGGGAGCGTGTGGGATTTCTGCTCTGTGATTTCTCAGACTAGAAGCCTAGATG-3'